The following is an entry in ClinVar:

ClinVar aggregate classification (germline): Uncertain significance (1 of 4 stars; one submission).

Submission:

Labcorp Genetics (formerly Invitae), Labcorp
Classification: Uncertain significance. Last evaluated: 2022-11-29. Review status: criteria provided, single submitter. Criteria: Invitae Variant Classification Sherloc (09022015). Collection method: clinical testing. Allele origin: germline.
Comment: In summary, the available evidence is currently insufficient to determine the role of this variant in disease. Therefore, it has been classified as a Variant of Uncertain Significance. Advanced modeling of protein sequence and biophysical properties (such as structural, functional, and spatial information, amino acid conservation, physicochemical variation, residue mobility, and thermodynamic stability) has been performed at Invitae for this missense variant, however the output from this modeling did not meet the statistical confidence thresholds required to predict the impact of this variant on PHIP protein function. This variant has not been reported in the literature in individuals affected with PHIP-related conditions. This variant is not present in population databases (gnomAD no frequency). This sequence change replaces aspartic acid, which is acidic and polar, with glutamic acid, which is acidic and polar, at codon 50 of the PHIP protein (p.Asp50Glu).

NM_017934.7(PHIP):c.150C>G (p.Asp50Glu)

Gene: PHIP (PHIP subunit of CUL4-Ring ligase complex; minus strand). Cytogenetic location: 6q14.1.
Variant type: single nucleotide variant.
Coding change: c.150C>G on transcript NM_017934.7 (MANE Select); coding-DNA position 150, C replaced by G.
Protein change: p.Asp50Glu; replaces aspartic acid 50 with glutamic acid.
Molecular consequence: missense variant.
Genome position (GRCh38, 1-based): chr6:79,077,487, G>C on the plus strand (C>G on the coding strand, the complement: PHIP is on the minus strand). VCF-style: chr6-79077487-G-C. GRCh37 (hg19) VCF-style: chr6-79787204-G-C.
Other names: short protein forms D50E.
Identifiers: ClinVar variation 2805912 (VCV002805912.3), dbSNP rs2482422407, ClinGen allele CA364652385.